The following is an entry in ClinVar:

ClinVar aggregate classification (germline): Benign/Likely benign. Review status: criteria provided, multiple submitters, no conflicts (2 of 4 stars). 3 submissions from 3 submitters: Benign (1); Likely benign (2). Last evaluated 2025-11-24.

Conditions:
Hereditary cancer-predisposing syndrome. Also called: Neoplastic Syndromes, Hereditary; Tumor predisposition; Hereditary Cancer Syndrome; Hereditary neoplastic syndrome. Identifiers: Orphanet 140162, MedGen C0027672, MeSH D009386, MONDO:0015356.
Melanoma, cutaneous malignant, susceptibility to, 3. Also called: Cutaneous malignant melanoma 3. Identifiers: Orphanet 618, MedGen C1836892, MONDO:0012183, OMIM 609048.
Familial melanoma. Also called: Hereditary melanoma; Hereditary cutaneous melanoma. Identifiers: Orphanet 618, MedGen C1512419, MONDO:0018961.

Allele frequency attached by ClinVar (database versions not stated): gnomAD exomes below 0.00001; ExAC 0.00001; TOPMed 0.00001.
gnomAD v4.1: 3 of 1,614,094 alleles (0.00019%); highest among the groups gnomAD compares: Non-Finnish European, 0.00025%; no homozygotes.

Submissions (3):

Labcorp Genetics (formerly Invitae), Labcorp
Classification: Likely benign for Familial melanoma. Last evaluated: 2025-11-24. Review status: criteria provided, single submitter. Criteria: Invitae Variant Classification Sherloc (09022015). Collection method: clinical testing. Allele origin: germline.

Myriad Genetics, Inc.
Classification: Benign for Melanoma, cutaneous malignant, susceptibility to, 3. Last evaluated: 2024-09-25. Review status: criteria provided, single submitter. Criteria: Myriad Autosomal Dominant, Autosomal Recessive and X-Linked Classification Criteria (2023). Collection method: clinical testing. Allele origin: unknown.
Comment: This variant is considered benign. This variant is a silent/synonymous amino acid change and it is not expected to impact splicing.

Ambry Genetics
Classification: Likely benign for Hereditary cancer-predisposing syndrome. Last evaluated: 2017-08-28. Review status: criteria provided, single submitter. Criteria: Ambry Variant Classification Scheme 2023. Collection method: clinical testing. Allele origin: germline.

NM_000075.4(CDK4):c.423G>A (p.Leu141=)

Gene: CDK4 (cyclin dependent kinase 4; minus strand). Cytogenetic location: 12q14.1.
Variant type: single nucleotide variant.
Coding change: c.423G>A on transcript NM_000075.4 (MANE Select); coding-DNA position 423, G replaced by A.
Protein change: p.Leu141=; no amino-acid change (leucine 141 retained).
Molecular consequence: synonymous variant.
Genome position (GRCh38, 1-based): chr12:57,751,022, C>T on the plus strand (G>A on the coding strand, the complement: CDK4 is on the minus strand). VCF-style: chr12-57751022-C-T. GRCh37 (hg19) VCF-style: chr12-58144805-C-T.
Identifiers: ClinVar variation 483282 (VCV000483282.15), dbSNP rs760242081, ClinGen allele CA6657805.
Genomic context (GRCh38, chr12:57,751,022, plus strand): 5'-CAGGCCAAAGTCAGCCAGCTTGACTGTTCCACCACTTGTCACCAGAATGTTCTCTGGCTT[C>T]AGATCTCGGTGAACGATGCAATTGGCATGAAGGAAATCTAGGCCTCTTAGAAACTGGCGC-3'
Protein context (NP_000066.1, residues 131-151): LHANCIVHRD[Leu141=]KPENILVTSG